The following is an entry in ClinVar:

NC_000016.9:g.(?_3304138)_(3306587_?)del

Gene: MEFV (MEFV innate immunity regulator, pyrin; minus strand). Cytogenetic location: 16p13.3.
Variant type: Deletion.
Identifiers: ClinVar variation 1409258 (VCV001409258.4).

ClinVar aggregate classification (germline): Uncertain significance (1 of 4 stars; one submission).

Conditions:
Familial Mediterranean fever (FMF). Also called: Periodic peritonitis; Benign paroxysmal peritonitis; POLYSEROSITIS, FAMILIAL PAROXYSMAL; POLYSEROSITIS, RECURRENT. Identifiers: Orphanet 342, MedGen C0031069, MONDO:0018088, OMIM 249100. Disease mechanism: gain of function.

Submission:

Labcorp Genetics (formerly Invitae), Labcorp
Classification: Uncertain significance for Familial Mediterranean fever. Last evaluated: 2021-04-07. Review status: criteria provided, single submitter. Criteria: Invitae Variant Classification Sherloc (09022015). Collection method: clinical testing. Allele origin: germline.
Comment: In summary, the available evidence is currently insufficient to determine the role of this variant in disease. Therefore, it has been classified as a Variant of Uncertain Significance. This variant has not been reported in the literature in individuals with MEFV-related conditions. This variant is a gross deletion of the genomic region encompassing exon(s) 1-2 of the MEFV gene, which includes the initiator codon. The 5' end of this event is unknown as it extends beyond the assayed region for this gene and therefore may encompass additional genes. The 3' boundary is likely confined to intron 2 of the MEFV gene. It is expected to result in an absent or disrupted protein product. However, the current clinical and genetic evidence is not sufficient to establish whether loss-of-function variants in MEFV cause disease.